The following is an entry in ClinVar:

ClinVar aggregate classification (germline): Uncertain significance (1 of 4 stars; one submission).

Submission:

Labcorp Genetics (formerly Invitae), Labcorp
Classification: Uncertain significance. Last evaluated: 2023-04-23. Review status: criteria provided, single submitter. Criteria: Invitae Variant Classification Sherloc (09022015). Collection method: clinical testing. Allele origin: germline.
Comment: In summary, the available evidence is currently insufficient to determine the role of this variant in disease. Therefore, it has been classified as a Variant of Uncertain Significance. Algorithms developed to predict the effect of sequence changes on RNA splicing suggest that this variant may disrupt the consensus splice site. This variant has not been reported in the literature in individuals affected with LRP6-related conditions. This variant is not present in population databases (gnomAD no frequency). This sequence change falls in intron 6 of the LRP6 gene. It does not directly change the encoded amino acid sequence of the LRP6 protein.

NM_002336.3(LRP6):c.1374-24_1374-14del

Gene: LRP6 (LDL receptor related protein 6; minus strand). Cytogenetic location: 12p13.2.
Variant type: Deletion.
Coding change: c.1374-24_1374-14del on transcript NM_002336.3 (MANE Select); 24 bases into the intron before coding-DNA position 1374 through 14 bases into the intron before coding-DNA position 1374, 11 bases deleted (CTCATTTTTTG).
Molecular consequence: intron variant.
Genome position (GRCh38, 1-based): chr12:12,179,995-12,180,005, CAAAAAATGAG deleted on the plus strand (CTCATTTTTTG on the coding strand, the reverse complement: LRP6 is on the minus strand); deleting any 11 consecutive bases within chr12:12,179,995-12,180,006 gives the same sequence; the c. name uses the placement nearest the transcript's 3' end. VCF-style (leftmost placement, unchanged base first): chr12-12179994-ACAAAAAATGAG-A. GRCh37 (hg19) VCF-style: chr12-12332928-ACAAAAAATGAG-A.
Other names: c.1374-24_1374-14del (NM_001414245.1, NM_001414255.1, NM_001414251.1 and 5 more transcripts); c.921-24_921-14del (NM_001414253.1, NM_001414252.1, NM_001414254.1); c.1176-24_1176-14del (NM_001414247.1).
Identifiers: ClinVar variation 2858579 (VCV002858579.3), dbSNP rs2498951944, ClinGen allele CA2617690124.
Genomic context (GRCh38, chr12:12,179,994, plus strand): 5'-GCTCGCTCAATTTTCGGAATTTCTCCCCAGTCAGTCCAATACATGTACCTAGAGAAGTAT[ACAAAAAATGAG>A]CTAAAAATAGATAATAAAATGTAACTTTCAGATATTCTAAAGGTGAGATCCATCCCTCCT-3'